The following is an entry in ClinVar:

NM_001283009.2(RTEL1):c.2227C>T (p.Arg743Ter)

Genes: RTEL1 (regulator of telomere elongation helicase 1; plus strand), RTEL1-TNFRSF6B (RTEL1-TNFRSF6B readthrough (NMD candidate); plus strand). Cytogenetic location: 20q13.33.
Variant type: single nucleotide variant.
Coding change: c.2227C>T on transcript NM_001283009.2 (MANE Select); coding-DNA position 2227, C replaced by T.
Protein change: p.Arg743Ter; replaces arginine 743 with a stop codon.
Molecular consequence: nonsense. On other transcripts: non-coding transcript variant (1).
Genome position (GRCh38, 1-based): chr20:63,690,172, C>T. VCF-style: chr20-63690172-C-T. GRCh37 (hg19) VCF-style: chr20-62321525-C-T.
Other names: c.1558C>T, p.Arg520Ter (NM_001283010.1); c.2227C>T, p.Arg743Ter (NM_016434.4); c.2299C>T, p.Arg767Ter (NM_032957.5); short protein forms R743*, R520*, R767*.
Identifiers: ClinVar variation 1400190 (VCV001400190.37), dbSNP rs2145430878, ClinGen allele CA409679930.

ClinVar aggregate classification (germline): Pathogenic/Likely pathogenic. Review status: criteria provided, multiple submitters, no conflicts (2 of 4 stars). 4 submissions from 4 submitters: Pathogenic (1); Likely pathogenic (3). Last evaluated 2023-11-17.

Conditions:
Dyskeratosis congenita, autosomal recessive 5 (DKCB5). Identifiers: MedGen C3554656, MONDO:0014076, OMIM 615190.
Pulmonary fibrosis and/or bone marrow failure, Telomere-related, 3. Also called: PULMONARY FIBROSIS AND/OR BONE MARROW FAILURE SYNDROME, TELOMERE-RELATED, 3. Identifiers: Orphanet 2032, MedGen C4225346, MONDO:0014613, OMIM 616373.
RTEL1-related disorder. Also called: RTEL1-related condition; RTEL1-related disorders.

Allele frequency attached by ClinVar (database versions not stated): gnomAD exomes 0.00001.
gnomAD v4.1: 13 of 1,612,532 alleles (0.00081%); highest among the groups gnomAD compares: Non-Finnish European, 0.001%; no homozygotes.

Submissions (4):

Labcorp Genetics (formerly Invitae), Labcorp
Classification: Pathogenic for Dyskeratosis congenita, autosomal recessive 5; Pulmonary fibrosis and/or bone marrow failure, Telomere-related, 3. Last evaluated: 2023-11-17. Review status: criteria provided, single submitter. Criteria: Invitae Variant Classification Sherloc (09022015). Collection method: clinical testing. Allele origin: germline.
Comment: This sequence change creates a premature translational stop signal (p.Arg743*) in the RTEL1 gene. It is expected to result in an absent or disrupted protein product. Loss-of-function variants in RTEL1 are known to be pathogenic (PMID: 23453664, 23959892, 25607374). This variant is not present in population databases (gnomAD no frequency). This variant has not been reported in the literature in individuals affected with RTEL1-related conditions. ClinVar contains an entry for this variant (Variation ID: 1400190). Algorithms developed to predict the effect of sequence changes on RNA splicing suggest that this variant may disrupt the consensus splice site. For these reasons, this variant has been classified as Pathogenic.

Baylor Genetics
Classification: Likely pathogenic for Dyskeratosis congenita, autosomal recessive 5. Last evaluated: 2023-07-22. Review status: criteria provided, single submitter. Criteria: ACMG Guidelines, 2015. Collection method: clinical testing. Allele origin: unknown.

Blueprint Genetics
Classification: Likely pathogenic for RTEL1-related disorders. Last evaluated: 2023-07-20. Review status: criteria provided, single submitter. Criteria: ACMG Guidelines, 2015. Collection method: clinical testing. Allele origin: germline. Affected: yes. Observed: 2 variant alleles.

CeGaT Center for Human Genetics Tuebingen
Classification: Likely pathogenic. Last evaluated: 2022-08-01. Review status: criteria provided, single submitter. Criteria: CeGaT Center For Human Genetics Tuebingen Variant Classification Criteria Version 2. Collection method: clinical testing. Allele origin: germline. Affected: yes. Observed: 1 variant allele.
Comment: RTEL1: PVS1:Strong, PM2

Literature cited by the submitters: PubMed 23453664 (cited by Labcorp Genetics (formerly Invitae), Labcorp); PubMed 23959892 (cited by Labcorp Genetics (formerly Invitae), Labcorp); PubMed 25607374 (cited by Labcorp Genetics (formerly Invitae), Labcorp).